The following is an entry in ClinVar:

NM_001048174.2(MUTYH):c.255G>C (p.Trp85Cys)

Gene: MUTYH (mutY DNA glycosylase; minus strand). Cytogenetic location: 1p34.1.
Variant type: single nucleotide variant.
Coding change: c.255G>C on transcript NM_001048174.2 (MANE Select); coding-DNA position 255, G replaced by C.
Protein change: p.Trp85Cys; replaces tryptophan 85 with cysteine.
Molecular consequence: missense variant. On other transcripts: 5 prime UTR variant (6), non-coding transcript variant (7).
Genome position (GRCh38, 1-based): chr1:45,333,422, C>G on the plus strand (G>C on the coding strand, the complement: MUTYH is on the minus strand). VCF-style: chr1-45333422-C-G. GRCh37 (hg19) VCF-style: chr1-45799094-C-G.
Other names: c.258G>C, p.Trp86Cys (NM_001407078.1, NM_001407079.1, NM_001407086.1 and 2 more transcripts); c.255G>C, p.Trp85Cys (NM_001407080.1, NM_001407081.1, NM_001407088.1 and 6 more transcripts); c.-17G>C (NM_001407082.1, NM_001350650.2, NM_001350651.2); c.297G>C, p.Trp99Cys (NM_001407083.1, NM_001407085.1, NM_001407073.1); c.276G>C, p.Trp92Cys (NM_001407087.1); c.-22G>C (NM_001407091.1, NM_001293192.2, NM_001293196.2); c.330G>C, p.Trp110Cys (NM_012222.3, NM_001407069.1); c.171G>C, p.Trp57Cys (NM_001407075.1); and 3 more; short protein forms W100C, W110C, W113C, W57C, W85C, W86C, W92C, W96C.
Identifiers: ClinVar variation 5042082 (VCV005042082.1).

ClinVar aggregate classification (germline): Likely pathogenic (1 of 4 stars; one submission).

Conditions:
Familial adenomatous polyposis 2. Also called: COLORECTAL ADENOMATOUS POLYPOSIS, AUTOSOMAL RECESSIVE; ADENOMAS, MULTIPLE COLORECTAL, AUTOSOMAL RECESSIVE; MYH-associated polyposis; FAP type 2; MUTYH-associated polyposis; MUTYH Polyposis. Identifiers: Orphanet 220460, Orphanet 247798, MedGen C3272841, MONDO:0012041, OMIM 608456.

Submission:

Myriad Genetics, Inc.
Classification: Likely pathogenic for Familial adenomatous polyposis 2. Last evaluated: 2026-07-15. Review status: criteria provided, single submitter. Criteria: Myriad Autosomal Dominant, Autosomal Recessive and X-Linked Classification Criteria (2023). Collection method: clinical testing. Allele origin: unknown.
Comment: This variant is considered likely pathogenic. Functional studies indicate this variant impacts protein function [PMID: 40738107]. This variant is expected to disrupt protein structure [Myriad internal data].

Literature cited by the submitters: PubMed 40738107.